The following is an entry in ClinVar:

ClinVar aggregate classification (germline): Likely benign (1 of 4 stars; one submission).

Allele frequency attached by ClinVar (database versions not stated): ExAC 0.00003; gnomAD 0.00004; TOPMed 0.00004; gnomAD exomes 0.00005.

Submission:

CeGaT Center for Human Genetics Tuebingen
Classification: Likely benign. Last evaluated: 2022-05-01. Review status: criteria provided, single submitter. Criteria: CeGaT Center For Human Genetics Tuebingen Variant Classification Criteria Version 2. Collection method: clinical testing. Allele origin: germline. Affected: yes. Observed: 1 variant allele.
Comment: SUPT20HL1: BP4, BP7

NM_001136234.3(SUPT20HL1):c.1302G>A (p.Gln434=)

Gene: SUPT20HL1 (SUPT20H like 1; plus strand). Cytogenetic location: Xp22.11.
Variant type: single nucleotide variant.
Coding change: c.1302G>A on transcript NM_001136234.3 (MANE Select); coding-DNA position 1302, G replaced by A.
Protein change: p.Gln434=; no amino-acid change (glutamine 434 retained).
Molecular consequence: synonymous variant.
Genome position (GRCh38, 1-based): chrX:24,364,062, G>A. VCF-style: chrX-24364062-G-A. GRCh37 (hg19) VCF-style: chrX-24382179-G-A.
Identifiers: ClinVar variation 2660190 (VCV002660190.24), dbSNP rs754856232, ClinGen allele CA10371972.